The following is an entry in ClinVar:

ClinVar aggregate classification (germline): Uncertain significance. Review status: criteria provided, multiple submitters, no conflicts (2 of 4 stars). 2 submissions from 2 submitters: Uncertain significance (2). Last evaluated 2024-08-27.

Conditions:
Inborn genetic diseases. Identifiers: MedGen C0950123, MeSH D030342.

Allele frequency attached by ClinVar (database versions not stated): gnomAD exomes 0.00002 and 0.00003; gnomAD 0.00005 and 0.00006; ExAC 0.00009; TOPMed 0.00009.
gnomAD v4.1: 52 of 1,552,854 alleles (0.0033%); highest among the groups gnomAD compares: African/African-American, 0.011%; no homozygotes.

Submissions (2):

Ambry Genetics
Classification: Uncertain significance for Inborn genetic diseases. Last evaluated: 2024-08-27. Review status: criteria provided, single submitter. Criteria: Ambry Variant Classification Scheme 2023. Collection method: clinical testing. Allele origin: germline.

GeneDx
Classification: Uncertain significance. Last evaluated: 2021-09-07. Review status: criteria provided, single submitter. Criteria: GeneDx Variant Classification Process June 2021. Collection method: clinical testing. Allele origin: germline. Affected: yes.
Comment: In silico analysis supports that this missense variant does not alter protein structure/function; Has not been previously published as pathogenic or benign to our knowledge

NM_018896.5(CACNA1G):c.760G>A (p.Asp254Asn)

Gene: CACNA1G (calcium voltage-gated channel subunit alpha1 G; plus strand). Cytogenetic location: 17q21.33.
Variant type: single nucleotide variant.
Coding change: c.760G>A on transcript NM_018896.5 (MANE Select); coding-DNA position 760, G replaced by A.
Protein change: p.Asp254Asn; replaces aspartic acid 254 with asparagine.
Molecular consequence: missense variant. On other transcripts: non-coding transcript variant (5).
Genome position (GRCh38, 1-based): chr17:50,572,567, G>A. VCF-style: chr17-50572567-G-A. GRCh37 (hg19) VCF-style: chr17-48649928-G-A.
Other names: c.760G>A, p.Asp254Asn (NM_001256324.2, NM_001256325.2, NM_001256326.2 and 24 more transcripts); c.760G>A (NM_018896.3); short protein forms D254N.
Identifiers: ClinVar variation 546291 (VCV000546291.5), dbSNP rs756783356, ClinGen allele CA8652034.